The following is an entry in ClinVar:

ClinVar aggregate classification (germline): Uncertain significance (1 of 4 stars; one submission).

Conditions:
GNAS-related disorder. Identifiers: MedGen CN380105.

Submission:

PreventionGenetics, part of Exact Sciences
Classification: Uncertain significance for GNAS-related condition. Last evaluated: 2025-09-19. Review status: criteria provided, single submitter. Criteria: ACMG Guidelines, 2015. Collection method: clinical testing. Allele origin: germline.
Comment: The GNAS c.432+5G>T variant is predicted to interfere with splicing. This variant is predicted to impact splicing based on splicing prediction programs (SpliceAI, Jaganathan K, et al. 2019. PubMed ID: 30661751). However, the use of computer prediction programs is not equivalent to functional evidence. To our knowledge, this variant has not been reported in the literature or in a large population database (gnomAD), indicating this variant is rare. At this time, the clinical significance of this variant is uncertain due to the absence of conclusive functional and genetic evidence.

NM_000516.7(GNAS):c.432+5G>T

Gene: GNAS (GNAS complex locus; plus strand). Cytogenetic location: 20q13.32.
Variant type: single nucleotide variant.
Coding change: c.432+5G>T on transcript NM_000516.7 (MANE Select); 5 bases into the intron after coding-DNA position 432, G replaced by T.
Molecular consequence: intron variant.
Genome position (GRCh38, 1-based): chr20:58,903,796, G>T. VCF-style: chr20-58903796-G-T. GRCh37 (hg19) VCF-style: chr20-57478851-G-T.
Other names: c.*338+5G>T (NM_016592.5); c.336+5G>T (NM_001410912.1); c.255+5G>T (NM_001309861.2, NM_001439291.1, NM_001309840.2 and 1 more transcripts); c.*293+5G>T (NM_001077490.3); c.2361+5G>T (NM_080425.4); c.2316+5G>T (NM_001410913.1); c.210+5G>T (NM_001438273.1, NM_001438274.1, NM_001438275.1); c.435+5G>T (NM_001077488.5); and 2 more.
Identifiers: ClinVar variation 4994934 (VCV004994934.1).